The following is an entry in ClinVar:

NM_004519.4(KCNQ3):c.1013T>C (p.Leu338Ser)

Gene: KCNQ3 (potassium voltage-gated channel subfamily Q member 3; minus strand). Cytogenetic location: 8q24.22.
Variant type: single nucleotide variant.
Coding change: c.1013T>C on transcript NM_004519.4 (MANE Select); coding-DNA position 1013, T replaced by C.
Protein change: p.Leu338Ser; replaces leucine 338 with serine.
Molecular consequence: missense variant.
Genome position (GRCh38, 1-based): chr8:132,174,270, A>G on the plus strand (T>C on the coding strand, the complement: KCNQ3 is on the minus strand). VCF-style: chr8-132174270-A-G. GRCh37 (hg19) VCF-style: chr8-133186517-A-G.
Other names: c.653T>C, p.Leu218Ser (NM_001204824.2); short protein forms L338S, L218S.
Identifiers: ClinVar variation 1442630 (VCV001442630.6), dbSNP rs139819686, ClinGen allele CA4880801.

ClinVar aggregate classification (germline): Uncertain significance (1 of 4 stars; one submission).

Conditions:
Benign neonatal seizures. Also called: Benign familial neonatal seizures; Benign neonatal familial convulsions; Benign familial neonatal epilepsy; Convulsions benign familial neonatal dominant form; Autosomal dominant form of benign neonatal seizures. Identifiers: Orphanet 1949, MedGen C0220669, MONDO:0016027.

Allele frequency attached by ClinVar (database versions not stated): gnomAD exomes below 0.00001 and 0.00001; gnomAD 0.00001; TOPMed 0.00001; ExAC 0.00005; ESP Exome Variant Server 0.00008.
gnomAD v4.1: 4 of 1,551,654 alleles (0.00026%); highest among the groups gnomAD compares: African/African-American, 0.0055%; no homozygotes.

Submission:

Labcorp Genetics (formerly Invitae), Labcorp
Classification: Uncertain significance for Benign neonatal seizures. Last evaluated: 2025-03-10. Review status: criteria provided, single submitter. Criteria: Invitae Variant Classification Sherloc (09022015). Collection method: clinical testing. Allele origin: germline.
Comment: This sequence change replaces leucine, which is neutral and non-polar, with serine, which is neutral and polar, at codon 338 of the KCNQ3 protein (p.Leu338Ser). This variant is not present in population databases (gnomAD no frequency). This variant has not been reported in the literature in individuals affected with KCNQ3-related conditions. ClinVar contains an entry for this variant (Variation ID: 1442630). Invitae Evidence Modeling of protein sequence and biophysical properties (such as structural, functional, and spatial information, amino acid conservation, physicochemical variation, residue mobility, and thermodynamic stability) indicates that this missense variant is not expected to disrupt KCNQ3 protein function with a negative predictive value of 80%. In summary, the available evidence is currently insufficient to determine the role of this variant in disease. Therefore, it has been classified as a Variant of Uncertain Significance.